The following is an entry in ClinVar:

ClinVar aggregate classification (germline): Pathogenic/Likely pathogenic. Review status: criteria provided, multiple submitters, no conflicts (2 of 4 stars). 3 submissions from 3 submitters: Pathogenic (1); Likely pathogenic (2). Last evaluated 2024-06-10.

Conditions:
Hereditary cancer-predisposing syndrome. Also called: Neoplastic Syndromes, Hereditary; Tumor predisposition; Hereditary Cancer Syndrome; Hereditary neoplastic syndrome. Identifiers: Orphanet 140162, MedGen C0027672, MeSH D009386, MONDO:0015356.
Nijmegen breakage syndrome-like disorder (NBSLD). Also called: MICROCEPHALY AND SPONTANEOUS CHROMOSOME INSTABILITY WITHOUT IMMUNODEFICIENCY; NBS-LIKE DISORDER; RAD50 DEFICIENCY. Identifiers: Orphanet 240760, MedGen C2751318, MONDO:0013118, OMIM 613078.

Allele frequency attached by ClinVar (database versions not stated): ExAC 0.00001; gnomAD exomes 0.00001.
gnomAD v4.1: 14 of 1,607,072 alleles (0.00087%); highest among the groups gnomAD compares: Non-Finnish European, 0.001%; no homozygotes.

Submissions (3):

Labcorp Genetics (formerly Invitae), Labcorp
Classification: Likely pathogenic for Hereditary cancer-predisposing syndrome. Last evaluated: 2024-06-10. Review status: criteria provided, single submitter. Criteria: Invitae Variant Classification Sherloc (09022015). Collection method: clinical testing. Allele origin: germline.
Comment: This sequence change affects a donor splice site in intron 2 of the RAD50 gene. RNA analysis indicates that disruption of this splice site induces altered splicing and likely results in a shortened protein product. This variant is present in population databases (rs765484171, gnomAD 0.002%). This variant has not been reported in the literature in individuals affected with RAD50-related conditions. ClinVar contains an entry for this variant (Variation ID: 457399). Studies have shown that disruption of this splice site results in skipping of exon 2, but is expected to preserve the integrity of the reading-frame (Invitae). In summary, the currently available evidence indicates that the variant is pathogenic, but additional data are needed to prove that conclusively. Therefore, this variant has been classified as Likely Pathogenic.

Ambry Genetics
Classification: Likely pathogenic for Hereditary cancer-predisposing syndrome. Last evaluated: 2023-10-25. Review status: criteria provided, single submitter. Criteria: Ambry Variant Classification Scheme 2023. Collection method: clinical testing. Allele origin: germline.
Comment: The c.213+1G>T intronic variant results from a G to T substitution one nucleotide after coding exon 2 of the RAD50 gene. This nucleotide position is highly conserved in available vertebrate species. In silico splice site analysis predicts that this alteration will weaken the native splice donor site. The resulting transcript is predicted to be in-frame and is not expected to trigger nonsense-mediated mRNA decay; however, direct evidence is unavailable. The exact functional effect of the altered amino acid sequence is unknown. Based on the majority of available evidence to date, this variant is likely to be pathogenic.

Revvity Omics, Revvity
Classification: Pathogenic for Nijmegen breakage syndrome-like disorder. Last evaluated: 2019-06-07. Review status: criteria provided, single submitter. Criteria: ACMG Guidelines, 2015. Collection method: clinical testing. Allele origin: germline.

NM_005732.4(RAD50):c.213+1G>T

Gene: RAD50 (RAD50 double strand break repair protein; plus strand). Cytogenetic location: 5q31.1.
Variant type: single nucleotide variant.
Coding change: c.213+1G>T on transcript NM_005732.4 (MANE Select); the canonical splice donor site of the intron after coding-DNA position 213, G replaced by T.
Molecular consequence: splice donor variant.
Genome position (GRCh38, 1-based): chr5:132,559,368, G>T. VCF-style: chr5-132559368-G-T. GRCh37 (hg19) VCF-style: chr5-131895060-G-T.
Identifiers: ClinVar variation 457399 (VCV000457399.17), dbSNP rs765484171, ClinGen allele CA3404922.